The following is an entry in ClinVar:

ClinVar aggregate classification (germline): Uncertain significance. Review status: criteria provided, multiple submitters, no conflicts (2 of 4 stars). 3 submissions from 3 submitters: Uncertain significance (3). Last evaluated 2022-07-10.

Conditions:
Inborn genetic diseases. Identifiers: MedGen C0950123, MeSH D030342.
Cerebral creatine deficiency syndrome. Also called: Creatine deficiency syndromes. Identifiers: Orphanet 79172, MedGen C5244016, MONDO:0000456.

Allele frequency attached by ClinVar (database versions not stated): gnomAD exomes 0.00002; ExAC 0.00003; TOPMed 0.00003.
gnomAD v4.1: 30 of 1,608,964 alleles (0.0019%); highest among the groups gnomAD compares: Non-Finnish European, 0.0025%; no homozygotes.

Submissions (3):

Labcorp Genetics (formerly Invitae), Labcorp
Classification: Uncertain significance for Cerebral creatine deficiency syndrome. Last evaluated: 2022-07-10. Review status: criteria provided, single submitter. Criteria: Invitae Variant Classification Sherloc (09022015). Collection method: clinical testing. Allele origin: germline.
Comment: This sequence change replaces isoleucine, which is neutral and non-polar, with valine, which is neutral and non-polar, at codon 73 of the GAMT protein (p.Ile73Val). This variant is present in population databases (rs771107085, gnomAD 0.006%). This variant has not been reported in the literature in individuals affected with GAMT-related conditions. ClinVar contains an entry for this variant (Variation ID: 211060). Algorithms developed to predict the effect of missense changes on protein structure and function are either unavailable or do not agree on the potential impact of this missense change (SIFT: "Tolerated"; PolyPhen-2: "Possibly Damaging"; Align-GVGD: "Class C15"). In summary, the available evidence is currently insufficient to determine the role of this variant in disease. Therefore, it has been classified as a Variant of Uncertain Significance.

Ambry Genetics
Classification: Uncertain significance for Inborn genetic diseases. Last evaluated: 2018-05-18. Review status: criteria provided, single submitter. Criteria: Ambry Variant Classification Scheme 2023. Collection method: clinical testing. Allele origin: germline.
Comment: The p.I73V variant (also known as c.217A>G), located in coding exon 2 of the GAMT gene, results from an A to G substitution at nucleotide position 217. The isoleucine at codon 73 is replaced by valine, an amino acid with highly similar properties. This amino acid position is highly conserved in available vertebrate species. In addition, the in silico prediction for this alteration is inconclusive. Since supporting evidence is limited at this time, the clinical significance of this alteration remains unclear.

Genetic Services Laboratory, University of Chicago
Classification: Uncertain significance. Last evaluated: 2014-10-30. Review status: criteria provided, single submitter. Criteria: ACMG Guidelines, 2015. Collection method: clinical testing. Allele origin: germline.

NM_000156.6(GAMT):c.217A>G (p.Ile73Val)

Gene: GAMT (guanidinoacetate N-methyltransferase; minus strand). Cytogenetic location: 19p13.3.
Variant type: single nucleotide variant.
Coding change: c.217A>G on transcript NM_000156.6 (MANE Select); coding-DNA position 217, A replaced by G.
Protein change: p.Ile73Val; replaces isoleucine 73 with valine.
Molecular consequence: missense variant.
Genome position (GRCh38, 1-based): chr19:1,399,903, T>C on the plus strand (A>G on the coding strand, the complement: GAMT is on the minus strand). VCF-style: chr19-1399903-T-C. GRCh37 (hg19) VCF-style: chr19-1399902-T-C.
Other names: c.217A>G, p.Ile73Val (NM_138924.3); short protein forms I73V.
Identifiers: ClinVar variation 211060 (VCV000211060.9), dbSNP rs771107085, ClinGen allele CA208424.
Genomic context (GRCh38, chr19:1,399,903, plus strand): 5'-CATTGCACTCGATGATCCAATGCTCATCAATGGGCGCCTCCTGCACCTTTGACGCTGCGA[T>C]GGCCATGCCAAAGCCCACCTCCAGGACCCGGCCCCCTGGGCAGACACAGGGCGCCTGGCA-3'
Protein context (NP_000147.1, residues 63-83): RVLEVGFGMA[Ile73Val]AASKVQEAPI